The following is an entry in ClinVar:

ClinVar aggregate classification (germline): Uncertain significance (1 of 4 stars; one submission).

Conditions:
Hereditary sensory and autonomic neuropathy with spastic paraplegia (HSNSP). Identifiers: Orphanet 139578, MedGen C1850395, MONDO:0009748, OMIM 256840.

Submission:

Labcorp Genetics (formerly Invitae), Labcorp
Classification: Uncertain significance for Hereditary sensory and autonomic neuropathy with spastic paraplegia. Last evaluated: 2025-05-05. Review status: criteria provided, single submitter. Criteria: Invitae Variant Classification Sherloc (09022015). Collection method: clinical testing. Allele origin: germline.
Comment: This sequence change replaces methionine, which is neutral and non-polar, with threonine, which is neutral and polar, at codon 61 of the CCT5 protein (p.Met61Thr). This variant is not present in population databases (gnomAD no frequency). This variant has not been reported in the literature in individuals affected with CCT5-related conditions. Invitae Evidence Modeling of protein sequence and biophysical properties (such as structural, functional, and spatial information, amino acid conservation, physicochemical variation, residue mobility, and thermodynamic stability) has been performed for this missense variant. However, the output from this modeling did not meet the statistical confidence thresholds required to predict the impact of this variant on CCT5 protein function. In summary, the available evidence is currently insufficient to determine the role of this variant in disease. Therefore, it has been classified as a Variant of Uncertain Significance.

NM_012073.5(CCT5):c.182T>C (p.Met61Thr)

Gene: CCT5 (chaperonin containing TCP1 subunit 5; plus strand). Cytogenetic location: 5p15.2.
Variant type: single nucleotide variant.
Coding change: c.182T>C on transcript NM_012073.5 (MANE Select); coding-DNA position 182, T replaced by C.
Protein change: p.Met61Thr; replaces methionine 61 with threonine.
Molecular consequence: missense variant. On other transcripts: intron variant (2).
Genome position (GRCh38, 1-based): chr5:10,254,689, T>C. VCF-style: chr5-10254689-T-C. GRCh37 (hg19) VCF-style: chr5-10254801-T-C.
Other names: c.119T>C, p.Met40Thr (NM_001306153.1); c.68T>C, p.Met23Thr (NM_001306156.2); c.166+484T>C (NM_001306154.2); c.52+484T>C (NM_001306155.2); short protein forms M23T, M40T, M61T.
Identifiers: ClinVar variation 4805298 (VCV004805298.1).